The following is an entry in ClinVar:

ClinVar aggregate classification (germline): Conflicting classifications of pathogenicity. Review status: criteria provided, conflicting classifications (1 of 4 stars). 5 submissions from 5 submitters: Uncertain significance (1); Benign (1); Likely benign (1). 2 of the submissions do not count toward it. Last evaluated 2026-01-28.

Conditions:
3 beta-Hydroxysteroid dehydrogenase deficiency. Also called: ADRENAL HYPERPLASIA, CONGENITAL, DUE TO 3-BETA-HYDROXYSTEROID DEHYDROGENASE 2 DEFICIENCY; Congenital adrenal hyperplasia due to 3-beta-hydroxysteroid dehydrogenase deficiency; 3-BETA-HSD DEFICIENCY; ADRENAL HYPERPLASIA II; 3b-hydroxysteroid dehydrogenase deficiency. Identifiers: Orphanet 90791, MedGen C0342471, MeSH C538236, MONDO:0008727, OMIM 201810. Disease mechanism: loss of function.
HSD3B2-related disorder. Also called: HSD3B2-related condition.

Allele frequency attached by ClinVar (database versions not stated): gnomAD exomes 0.00030 and 0.00080; ExAC 0.00108; 1000 Genomes Project 0.00300; 1000 Genomes Project 30x 0.00312; ESP Exome Variant Server 0.00315; gnomAD 0.00360 and 0.00387; TOPMed 0.00365.

Submissions (5):

Labcorp Genetics (formerly Invitae), Labcorp
Classification: Benign. Last evaluated: 2026-01-28. Review status: criteria provided, single submitter. Criteria: Invitae Variant Classification Sherloc (09022015). Collection method: clinical testing. Allele origin: germline.

Blueprint Genetics
Classification: Likely benign. Last evaluated: 2024-08-21. Review status: criteria provided, single submitter. Criteria: ACMG Guidelines, 2015. Collection method: clinical testing. Allele origin: germline.

Illumina Laboratory Services, Illumina
Classification: Uncertain significance for 3 beta-Hydroxysteroid dehydrogenase deficiency. Last evaluated: 2018-01-13. Review status: criteria provided, single submitter. Criteria: ICSL Variant Classification Criteria 13 December 2019. Collection method: clinical testing. Allele origin: germline.

PreventionGenetics, part of Exact Sciences
Classification: Likely benign for HSD3B2-related condition. Last evaluated: 2020-12-11. Review status: no assertion criteria provided. Collection method: clinical testing. Allele origin: germline. Not counted in ClinVar's aggregate classification.
Comment: This variant is classified as likely benign based on ACMG/AMP sequence variant interpretation guidelines (Richards et al. 2015 PMID: 25741868, with internal and published modifications).

Natera, Inc.
Classification: Benign for 3 beta hydroxysteroid dehydrogenase deficiency. Last evaluated: 2019-11-22. Review status: no assertion criteria provided. Collection method: clinical testing. Allele origin: germline. Not counted in ClinVar's aggregate classification.

NM_000198.4(HSD3B2):c.501G>A (p.Ala167=)

Gene: HSD3B2 (hydroxy-delta-5-steroid dehydrogenase, 3 beta- and steroid delta-isomerase 2; plus strand). Cytogenetic location: 1p12.
Variant type: single nucleotide variant.
Coding change: c.501G>A on transcript NM_000198.4 (MANE Select); coding-DNA position 501, G replaced by A.
Protein change: p.Ala167=; no amino-acid change (alanine 167 retained).
Molecular consequence: synonymous variant.
Genome position (GRCh38, 1-based): chr1:119,422,002, G>A. VCF-style: chr1-119422002-G-A. GRCh37 (hg19) VCF-style: chr1-119964625-G-A.
Other names: c.501G>A, p.Ala167= (NM_001166120.2).
Identifiers: ClinVar variation 292260 (VCV000292260.20), dbSNP rs6207, ClinGen allele CA1035986.